The following is an entry in ClinVar:

NM_020902.2(CAMSAP3):c.1410G>T (p.Glu470Asp)

Gene: CAMSAP3 (calmodulin regulated spectrin associated protein family member 3; plus strand). Cytogenetic location: 19p13.2.
Variant type: single nucleotide variant.
Coding change: c.1410G>T on transcript NM_020902.2 (MANE Select); coding-DNA position 1410, G replaced by T.
Protein change: p.Glu470Asp; replaces glutamic acid 470 with aspartic acid.
Molecular consequence: missense variant.
Genome position (GRCh38, 1-based): chr19:7,611,903, G>T. VCF-style: chr19-7611903-G-T. GRCh37 (hg19) VCF-style: chr19-7676789-G-T.
Other names: c.1491G>T, p.Glu497Asp (NM_001080429.3); short protein forms E470D, E497D.
Identifiers: ClinVar variation 4891097 (VCV004891097.1).

ClinVar aggregate classification (germline): Uncertain significance (1 of 4 stars; one submission).

Submission:

Greenwood Genetic Center Diagnostic Laboratories, Greenwood Genetic Center
Classification: Uncertain significance. Last evaluated: 2026-05-21. Review status: criteria provided, single submitter. Criteria: ACMG Guidelines, 2015. Collection method: clinical testing. Allele origin: germline.
Comment: Gene of Uncertain Significance